The following is an entry in ClinVar:

ClinVar aggregate classification (germline): Uncertain significance. Review status: criteria provided, multiple submitters, no conflicts (2 of 4 stars). 2 submissions from 2 submitters: Uncertain significance (2). Last evaluated 2024-08-28.

Conditions:
Mitochondrial complex II deficiency, nuclear type 1. Also called: SUCCINATE CoQ REDUCTASE DEFICIENCY. Identifiers: Orphanet 3208, MedGen C5700310, MONDO:0100294, OMIM 252011.
Pheochromocytoma/paraganglioma syndrome 5. Also called: Paragangliomas 5; SDHA-Related Hereditary Paraganglioma-Pheochromocytoma Syndrome. Identifiers: Orphanet 29072, MedGen C3279992, MONDO:0013602, OMIM 614165.
Hereditary cancer-predisposing syndrome. Also called: Tumor predisposition; Hereditary Cancer Syndrome; Hereditary neoplastic syndrome; Neoplastic Syndromes, Hereditary. Identifiers: Orphanet 140162, MedGen C0027672, MeSH D009386, MONDO:0015356.

Submissions (2):

Labcorp Genetics (formerly Invitae), Labcorp
Classification: Uncertain significance for Pheochromocytoma/paraganglioma syndrome 5; Mitochondrial complex II deficiency, nuclear type 1. Last evaluated: 2024-08-28. Review status: criteria provided, single submitter. Criteria: Invitae Variant Classification Sherloc (09022015). Collection method: clinical testing. Allele origin: germline.
Comment: This sequence change replaces alanine, which is neutral and non-polar, with threonine, which is neutral and polar, at codon 138 of the SDHA protein (p.Ala138Thr). This variant is not present in population databases (gnomAD no frequency). This variant has not been reported in the literature in individuals affected with SDHA-related conditions. ClinVar contains an entry for this variant (Variation ID: 1907903). Invitae Evidence Modeling of protein sequence and biophysical properties (such as structural, functional, and spatial information, amino acid conservation, physicochemical variation, residue mobility, and thermodynamic stability) indicates that this missense variant is not expected to disrupt SDHA protein function with a negative predictive value of 95%. In summary, the available evidence is currently insufficient to determine the role of this variant in disease. Therefore, it has been classified as a Variant of Uncertain Significance.

Ambry Genetics
Classification: Uncertain significance for Hereditary cancer-predisposing syndrome. Last evaluated: 2023-09-29. Review status: criteria provided, single submitter. Criteria: Ambry Variant Classification Scheme 2023. Collection method: clinical testing. Allele origin: germline.
Comment: The p.A138T variant (also known as c.412G>A), located in coding exon 4 of the SDHA gene, results from a G to A substitution at nucleotide position 412. The alanine at codon 138 is replaced by threonine, an amino acid with similar properties. This amino acid position is conserved. In addition, the in silico prediction for this alteration is inconclusive. Since supporting evidence is limited at this time, the clinical significance of this alteration remains unclear.

NM_004168.4(SDHA):c.412G>A (p.Ala138Thr)

Gene: SDHA (succinate dehydrogenase complex flavoprotein subunit A; plus strand). Cytogenetic location: 5p15.33.
Variant type: single nucleotide variant.
Coding change: c.412G>A on transcript NM_004168.4 (MANE Select); coding-DNA position 412, G replaced by A.
Protein change: p.Ala138Thr; replaces alanine 138 with threonine.
Molecular consequence: missense variant. On other transcripts: intron variant (1).
Genome position (GRCh38, 1-based): chr5:225,518, G>A. VCF-style: chr5-225518-G-A. GRCh37 (hg19) VCF-style: chr5-225633-G-A.
Other names: c.412G>A (NM_004168.2); c.412G>A, p.Ala138Thr (NM_001330758.2); c.313-365G>A (NM_001294332.2); short protein forms A138T.
Identifiers: ClinVar variation 1907903 (VCV001907903.6), dbSNP rs2126547402, ClinGen allele CA359009542.